The following is an entry in ClinVar:

NM_016151.4(TAOK2):c.1140GGA[8] (p.Glu392_Gly393insGluGlu)

Gene: TAOK2 (TAO kinase 2; plus strand). Cytogenetic location: 16p11.2.
Variant type: Microsatellite.
Coding change: c.1140GGA[8] on transcript NM_016151.4 (MANE Select); eight copies in a row of the 3-base unit GGA starting at c.1140; the reference has six copies in a row; two copies, 6 bases duplicated.
Protein change: p.Glu392_Gly393insGluGlu.
Molecular consequence: inframe insertion.
Genome position (GRCh38, 1-based): chr16:29,983,224-29,983,229, GGAGGA duplicated; duplicating any 6 consecutive bases within chr16:29,983,210-29,983,229 gives the same sequence; the position shown is the placement nearest the transcript's 3' end. VCF-style (leftmost placement, unchanged base first): chr16-29983209-A-AGAGGAG. GRCh37 (hg19) VCF-style: chr16-29994530-A-AGAGGAG.
Other names: c.1140GGA[8], p.Glu392_Gly393insGluGlu (NM_001252043.2, NM_004783.4).
Identifiers: ClinVar variation 2415783 (VCV002415783.6), dbSNP rs368747234, ClinGen allele CA719788837.

ClinVar aggregate classification (germline): Uncertain significance (1 of 4 stars; one submission).

Submission:

Labcorp Genetics (formerly Invitae), Labcorp
Classification: Uncertain significance. Last evaluated: 2024-07-30. Review status: criteria provided, single submitter. Criteria: Invitae Variant Classification Sherloc (09022015). Collection method: clinical testing. Allele origin: germline.
Comment: This variant, c.1152_1157dup, results in the insertion of 2 amino acid(s) of the TAOK2 protein (p.Glu391_Glu392dup), but otherwise preserves the integrity of the reading frame. This variant is not present in population databases (gnomAD no frequency). This variant has not been reported in the literature in individuals affected with TAOK2-related conditions. In summary, the available evidence is currently insufficient to determine the role of this variant in disease. Therefore, it has been classified as a Variant of Uncertain Significance.